The following is an entry in ClinVar:

NM_005732.4(RAD50):c.2699C>A (p.Ser900Tyr)

Gene: RAD50 (RAD50 double strand break repair protein; plus strand). Cytogenetic location: 5q31.1.
Variant type: single nucleotide variant.
Coding change: c.2699C>A on transcript NM_005732.4 (MANE Select); coding-DNA position 2699, C replaced by A.
Protein change: p.Ser900Tyr; replaces serine 900 with tyrosine.
Molecular consequence: missense variant.
Genome position (GRCh38, 1-based): chr5:132,604,980, C>A. VCF-style: chr5-132604980-C-A. GRCh37 (hg19) VCF-style: chr5-131940672-C-A.
Other names: short protein forms S900Y.
Identifiers: ClinVar variation 1794867 (VCV001794867.2), dbSNP rs1554099200, ClinGen allele CA360956946.

ClinVar aggregate classification (germline): Uncertain significance (1 of 4 stars; one submission).

Conditions:
Hereditary cancer-predisposing syndrome. Also called: Tumor predisposition; Hereditary Cancer Syndrome; Neoplastic Syndromes, Hereditary; Hereditary neoplastic syndrome. Identifiers: Orphanet 140162, MedGen C0027672, MeSH D009386, MONDO:0015356.

Submission:

Ambry Genetics
Classification: Uncertain significance for Hereditary cancer-predisposing syndrome. Last evaluated: 2022-03-07. Review status: criteria provided, single submitter. Criteria: Ambry Variant Classification Scheme 2023. Collection method: clinical testing. Allele origin: germline.
Comment: The p.S900Y variant (also known as c.2699C>A), located in coding exon 16 of the RAD50 gene, results from a C to A substitution at nucleotide position 2699. The serine at codon 900 is replaced by tyrosine, an amino acid with dissimilar properties. This amino acid position is conserved. In addition, this alteration is predicted to be tolerated by in silico analysis. Since supporting evidence is limited at this time, the clinical significance of this alteration remains unclear.